The following is an entry in ClinVar:

ClinVar aggregate classification (germline): Benign (1 of 4 stars; one submission).

Allele frequency attached by ClinVar (database versions not stated): gnomAD 0.68387 and 0.68737; TOPMed 0.69847; 1000 Genomes Project 30x 0.76452; 1000 Genomes Project 0.76837.
gnomAD v4.1: 104,078 of 151,812 alleles (69%); highest among the groups gnomAD compares: East Asian, 91%; 36,622 homozygotes.

Submission:

GeneDx
Classification: Benign. Last evaluated: 2018-06-14. Review status: criteria provided, single submitter. Criteria: GeneDx Variant Classification (06012015). Collection method: clinical testing. Allele origin: germline. Affected: yes.
Comment: This variant is considered likely benign or benign based on one or more of the following criteria: it is a conservative change, it occurs at a poorly conserved position in the protein, it is predicted to be benign by multiple in silico algorithms, and/or has population frequency not consistent with disease.

NM_001330078.2(NRXN1):c.1760-233A>T

Gene: NRXN1 (neurexin 1; minus strand). Cytogenetic location: 2p16.3.
Variant type: single nucleotide variant.
Coding change: c.1760-233A>T on transcript NM_001330078.2 (MANE Select); 233 bases into the intron before coding-DNA position 1760, A replaced by T.
Molecular consequence: intron variant.
Genome position (GRCh38, 1-based): chr2:50,538,869, T>A on the plus strand (A>T on the coding strand, the complement: NRXN1 is on the minus strand). VCF-style: chr2-50538869-T-A. GRCh37 (hg19) VCF-style: chr2-50766007-T-A.
Other names: c.1676-233A>T (NM_001330096.2, NM_001330087.2); c.1721-233A>T (NM_001330083.2, NM_001330084.2); c.1706-233A>T (NM_001330088.2); c.1757-233A>T (NM_001330093.2); c.1748-233A>T (NM_001330094.2); c.1736-233A>T (NM_001330095.2, NM_001330082.2, NM_001330077.2); c.1760-233A>T (NM_001330085.2, NM_004801.6, NM_001330086.2); c.1880-233A>T (NM_001135659.3).
Identifiers: ClinVar variation 667702 (VCV000667702.1), dbSNP rs6545179, ClinGen allele CA11012656.